The following is an entry in ClinVar:

ClinVar aggregate classification (germline): Uncertain significance. Review status: criteria provided, multiple submitters, no conflicts (2 of 4 stars). 2 submissions from 2 submitters: Uncertain significance (2). Last evaluated 2025-01-24.

Conditions:
Inborn genetic diseases. Identifiers: MedGen C0950123, MeSH D030342.
Imerslund-Grasbeck syndrome. Also called: ENTEROCYTE COBALAMIN MALABSORPTION; ENTEROCYTE INTRINSIC FACTOR RECEPTOR, DEFECT OF; Megaloblastic anemia due to inborn errors of metabolism; Imerslund-Gräsbeck syndrome; PERNICIOUS ANEMIA, JUVENILE, DUE TO SELECTIVE INTESTINAL MALABSORPTION OF VITAMIN B12, WITH PROTEINURIA. Identifiers: Orphanet 35858, MedGen C4551825, MONDO:0009853.

Allele frequency attached by ClinVar (database versions not stated): gnomAD exomes 0.00007; ExAC 0.00018; gnomAD 0.00019; TOPMed 0.00028.
gnomAD v4.1: 132 of 1,582,322 alleles (0.0083%); highest among the groups gnomAD compares: Admixed American, 0.059%; no homozygotes.

Submissions (2):

Ambry Genetics
Classification: Uncertain significance for Inborn genetic diseases. Last evaluated: 2025-01-24. Review status: criteria provided, single submitter. Criteria: Ambry Variant Classification Scheme 2023. Collection method: clinical testing. Allele origin: germline.

Labcorp Genetics (formerly Invitae), Labcorp
Classification: Uncertain significance for Imerslund-Grasbeck syndrome. Last evaluated: 2022-08-22. Review status: criteria provided, single submitter. Criteria: Invitae Variant Classification Sherloc (09022015). Collection method: clinical testing. Allele origin: germline.
Comment: This sequence change replaces arginine, which is basic and polar, with glycine, which is neutral and non-polar, at codon 424 of the AMN protein (p.Arg424Gly). This variant is present in population databases (rs778728963, gnomAD 0.04%). This variant has not been reported in the literature in individuals affected with AMN-related conditions. Algorithms developed to predict the effect of missense changes on protein structure and function (SIFT, PolyPhen-2, Align-GVGD) all suggest that this variant is likely to be tolerated. In summary, the available evidence is currently insufficient to determine the role of this variant in disease. Therefore, it has been classified as a Variant of Uncertain Significance.

NM_030943.4(AMN):c.1270C>G (p.Arg424Gly)

Gene: AMN (amnion associated transmembrane protein; plus strand). Cytogenetic location: 14q32.32.
Variant type: single nucleotide variant.
Coding change: c.1270C>G on transcript NM_030943.4 (MANE Select); coding-DNA position 1270, C replaced by G.
Protein change: p.Arg424Gly; replaces arginine 424 with glycine.
Molecular consequence: missense variant.
Genome position (GRCh38, 1-based): chr14:102,930,588, C>G. VCF-style: chr14-102930588-C-G. GRCh37 (hg19) VCF-style: chr14-103396925-C-G.
Other names: short protein forms R424G.
Identifiers: ClinVar variation 2147522 (VCV002147522.2), dbSNP rs778728963, ClinGen allele CA7360092.
Genomic context (GRCh38, chr14:102,930,588, plus strand): 5'-GGGGCCGGGACTCGGCGCCGACCGCCGCCTGACCCTGTCACCCCGCAGCCCCTGCCGCGG[C>G]GGCTCAGCCTGGTTCCGAAGGCGGCCGCAGACAGCACCAGCCACAGTTACTTCGTCAACC-3'
Protein context (NP_112205.2, residues 414-434): TASEELPLPR[Arg424Gly]LSLVPKAAAD